The following is an entry in ClinVar:

NM_004415.4(DSP):c.169T>C (p.Cys57Arg)

Genes: DSP-AS1 (DSP antisense RNA 1; minus strand), DSP (desmoplakin; plus strand). Cytogenetic location: 6p24.3.
Variant type: single nucleotide variant.
Coding change: c.169T>C on transcript NM_004415.4 (MANE Select); coding-DNA position 169, T replaced by C.
Protein change: p.Cys57Arg; replaces cysteine 57 with arginine.
Molecular consequence: missense variant.
Genome position (GRCh38, 1-based): chr6:7,542,084, T>C. VCF-style: chr6-7542084-T-C. GRCh37 (hg19) VCF-style: chr6-7542317-T-C.
Other names: c.169T>C, p.Cys57Arg (NM_001008844.3, NM_001319034.2, NM_001406591.1); short protein forms C57R.
Identifiers: ClinVar variation 2055841 (VCV002055841.5), dbSNP rs2533801827, ClinGen allele CA362676063.

ClinVar aggregate classification (germline): Uncertain significance. Review status: criteria provided, multiple submitters, no conflicts (2 of 4 stars). 2 submissions from 2 submitters: Uncertain significance (2). Last evaluated 2024-03-04.

Conditions:
Cardiovascular phenotype. Identifiers: MedGen CN230736.
Arrhythmogenic cardiomyopathy with wooly hair and keratoderma. Also called: Arrhythmogenic cardiomyopathy with woolly hair and keratoderma; PALMOPLANTAR KERATODERMA WITH LEFT VENTRICULAR CARDIOMYOPATHY AND WOOLLY HAIR; Carvajal syndrome; Dilated cardiomyopathy with woolly hair and keratoderma. Identifiers: Orphanet 65282, MedGen C1854063, MONDO:0011581, OMIM 605676.
Arrhythmogenic right ventricular dysplasia 8 (ARVD8). Also called: ARRHYTHMOGENIC RIGHT VENTRICULAR DYSPLASIA, FAMILIAL, 8; ARRHYTHMOGENIC RIGHT VENTRICULAR CARDIOMYOPATHY 8; Arrhythmogenic Right Ventricular Dysplasia/Cardiomyopathy 8. Identifiers: MedGen C1843896, MONDO:0011831, OMIM 607450.

Allele frequency attached by ClinVar (database versions not stated): gnomAD exomes below 0.00001.
gnomAD v4.1: 4 of 1,559,456 alleles (0.00026%); highest among the groups gnomAD compares: Non-Finnish European, 0.00026%; no homozygotes.

Submissions (2):

Ambry Genetics
Classification: Uncertain significance for Cardiovascular phenotype. Last evaluated: 2024-03-04. Review status: criteria provided, single submitter. Criteria: Ambry Variant Classification Scheme 2023. Collection method: clinical testing. Allele origin: germline.
Comment: The p.C57R variant (also known as c.169T>C), located in coding exon 1 of the DSP gene, results from a T to C substitution at nucleotide position 169. The cysteine at codon 57 is replaced by arginine, an amino acid with highly dissimilar properties. This amino acid position is conserved. In addition, this alteration is predicted to be tolerated by in silico analysis. Based on the available evidence, the clinical significance of this alteration remains unclear.

Labcorp Genetics (formerly Invitae), Labcorp
Classification: Uncertain significance for Arrhythmogenic cardiomyopathy with wooly hair and keratoderma; Arrhythmogenic right ventricular dysplasia 8. Last evaluated: 2022-03-10. Review status: criteria provided, single submitter. Criteria: Invitae Variant Classification Sherloc (09022015). Collection method: clinical testing. Allele origin: germline.
Comment: In summary, the available evidence is currently insufficient to determine the role of this variant in disease. Therefore, it has been classified as a Variant of Uncertain Significance. Algorithms developed to predict the effect of missense changes on protein structure and function (SIFT, PolyPhen-2, Align-GVGD) all suggest that this variant is likely to be tolerated. This variant has not been reported in the literature in individuals affected with DSP-related conditions. This variant is not present in population databases (gnomAD no frequency). This sequence change replaces cysteine, which is neutral and slightly polar, with arginine, which is basic and polar, at codon 57 of the DSP protein (p.Cys57Arg).